The following is an entry in ClinVar:

ClinVar aggregate classification (germline): Uncertain significance. Review status: criteria provided, multiple submitters, no conflicts (2 of 4 stars). 4 submissions from 4 submitters: Uncertain significance (4). Last evaluated 2025-08-30.

Conditions:
Hereditary cancer-predisposing syndrome. Also called: Hereditary Cancer Syndrome; Neoplastic Syndromes, Hereditary; Tumor predisposition; Hereditary neoplastic syndrome. Identifiers: Orphanet 140162, MedGen C0027672, MeSH D009386, MONDO:0015356.
Lynch syndrome. Identifiers: Orphanet 144, MedGen C4552100, MONDO:0005835. Disease mechanism: loss of function.
Hereditary nonpolyposis colorectal neoplasms. Identifiers: MedGen C0009405, MeSH D003123.

Submissions (4):

Labcorp Genetics (formerly Invitae), Labcorp
Classification: Uncertain significance for Hereditary nonpolyposis colorectal neoplasms. Last evaluated: 2025-08-30. Review status: criteria provided, single submitter. Criteria: Invitae Variant Classification Sherloc (09022015). Collection method: clinical testing. Allele origin: germline.
Comment: This sequence change replaces asparagine, which is neutral and polar, with threonine, which is neutral and polar, at codon 71 of the MSH6 protein (p.Asn71Thr). This variant is not present in population databases (gnomAD no frequency). This variant has not been reported in the literature in individuals affected with MSH6-related conditions. ClinVar contains an entry for this variant (Variation ID: 479928). Invitae Evidence Modeling of protein sequence and biophysical properties (such as structural, functional, and spatial information, amino acid conservation, physicochemical variation, residue mobility, and thermodynamic stability) indicates that this missense variant is not expected to disrupt MSH6 protein function with a negative predictive value of 95%. In summary, the available evidence is currently insufficient to determine the role of this variant in disease. Therefore, it has been classified as a Variant of Uncertain Significance.

Color Diagnostics, LLC DBA Color Health
Classification: Uncertain significance for Hereditary cancer-predisposing syndrome. Last evaluated: 2024-09-23. Review status: criteria provided, single submitter. Criteria: ACMG Guidelines, 2015. Collection method: clinical testing. Allele origin: germline.
Comment: This missense variant replaces asparagine with threonine at codon 71 of the MSH6 protein. Computational prediction suggests that this variant may not impact protein structure and function (internally defined REVEL score threshold <= 0.5, PMID: 27666373). To our knowledge, functional studies have not been reported for this variant. This variant has not been reported in individuals affected with MSH6-related disorders in the literature. This variant has not been identified in the general population by the Genome Aggregation Database (gnomAD). The available evidence is insufficient to determine the role of this variant in disease conclusively. Therefore, this variant is classified as a Variant of Uncertain Significance.

All of Us Research Program, National Institutes of Health
Classification: Uncertain significance for Lynch syndrome. Last evaluated: 2023-11-30. Review status: criteria provided, single submitter. Criteria: ACMG Guidelines, 2015. Collection method: clinical testing. Allele origin: germline. Inheritance: Autosomal dominant inheritance. Observed: 1 variant allele, 1 heterozygote.
Comment: This study involves interpretation of variants in research participants for the purpose of population health screening. Participant phenotype was not available at the time of variant classification. Additional details can be found in publication PMID: 35346344, PMCID: PMC8962531

Ambry Genetics
Classification: Uncertain significance for Hereditary cancer-predisposing syndrome. Last evaluated: 2023-07-07. Review status: criteria provided, single submitter. Criteria: Ambry Variant Classification Scheme 2023. Collection method: clinical testing. Allele origin: germline.
Comment: The p.N71T variant (also known as c.212A>C), located in coding exon 1 of the MSH6 gene, results from an A to C substitution at nucleotide position 212. The asparagine at codon 71 is replaced by threonine, an amino acid with similar properties. This amino acid position is not well conserved in available vertebrate species. In addition, this alteration is predicted to be tolerated by in silico analysis. Since supporting evidence is limited at this time, the clinical significance of this alteration remains unclear.

NM_000179.3(MSH6):c.212A>C (p.Asn71Thr)

Gene: MSH6 (mutS homolog 6; plus strand). Cytogenetic location: 2p16.3.
Variant type: single nucleotide variant.
Coding change: c.212A>C on transcript NM_000179.3 (MANE Select); coding-DNA position 212, A replaced by C.
Protein change: p.Asn71Thr; replaces asparagine 71 with threonine.
Molecular consequence: missense variant. On other transcripts: 5 prime UTR variant (1).
Genome position (GRCh38, 1-based): chr2:47,783,445, A>C. VCF-style: chr2-47783445-A-C. GRCh37 (hg19) VCF-style: chr2-48010584-A-C.
Other names: c.212A>C, p.Asn71Thr (NM_001281492.2); c.-525A>C (NM_001281493.2); short protein forms N71T.
Identifiers: ClinVar variation 479928 (VCV000479928.16), dbSNP rs1553408375, ClinGen allele CA346735064.
Genomic context (GRCh38, chr2:47,783,445, plus strand): 5'-GCGAGGCTGGGCCTGGGCCCAGGCCCTTGGCGCGCTCCGCGTCACCGCCCAAGGCGAAGA[A>C]CCTCAACGGAGGGCTGCGGAGATCGGTAGCGCCTGCTGCCCCCACCAGGTAGCGGGGTGG-3'
Protein context (NP_000170.1, residues 61-81): ARSASPPKAK[Asn71Thr]LNGGLRRSVA